The following is an entry in ClinVar:

ClinVar aggregate classification (germline): Pathogenic (1 of 4 stars; one submission).

Conditions:
Ehlers-Danlos syndrome, classic type, 1 (EDSCL1). Also called: EHLERS-DANLOS SYNDROME, GRAVIS TYPE; EHLERS-DANLOS SYNDROME, SEVERE CLASSIC TYPE; Ehlers-Danlos syndrome, type 1; Ehlers-Danlos Syndrome, Classic Type, COL5A1-Related; EDS I. Identifiers: MedGen C0268335, MONDO:0019567, OMIM 130000.

Submission:

Labcorp Genetics (formerly Invitae), Labcorp
Classification: Pathogenic for Ehlers-Danlos syndrome, classic type, 1. Last evaluated: 2025-04-11. Review status: criteria provided, single submitter. Criteria: Invitae Variant Classification Sherloc (09022015). Collection method: clinical testing. Allele origin: germline.
Comment: This sequence change creates a premature translational stop signal (p.Gly1453*) in the COL5A1 gene. It is expected to result in an absent or disrupted protein product. Loss-of-function variants in COL5A1 are known to be pathogenic (PMID: 23587214). This variant is not present in population databases (gnomAD no frequency). This variant has not been reported in the literature in individuals affected with COL5A1-related conditions. For these reasons, this variant has been classified as Pathogenic.

Literature cited by the submitters: PubMed 23587214.

NM_000093.5(COL5A1):c.4357G>T (p.Gly1453Ter)

Gene: COL5A1 (collagen type V alpha 1 chain; plus strand). Cytogenetic location: 9q34.3.
Variant type: single nucleotide variant.
Coding change: c.4357G>T on transcript NM_000093.5 (MANE Select); coding-DNA position 4357, G replaced by T.
Protein change: p.Gly1453Ter; replaces glycine 1453 with a stop codon.
Molecular consequence: nonsense.
Genome position (GRCh38, 1-based): chr9:134,818,866, G>T. VCF-style: chr9-134818866-G-T. GRCh37 (hg19) VCF-style: chr9-137710712-G-T.
Other names: c.4357G>T, p.Gly1453Ter (NM_001278074.1); short protein forms G1453*.
Identifiers: ClinVar variation 4717050 (VCV004717050.1).